The following is an entry in ClinVar:

NM_003072.5(SMARCA4):c.2813C>A (p.Thr938Asn)

Gene: SMARCA4 (SWI/SNF related BAF chromatin remodeling complex subunit ATPase 4; plus strand). Cytogenetic location: 19p13.2.
Variant type: single nucleotide variant.
Coding change: c.2813C>A on transcript NM_003072.5 (MANE Select); coding-DNA position 2813, C replaced by A.
Protein change: p.Thr938Asn; replaces threonine 938 with asparagine.
Molecular consequence: missense variant. On other transcripts: non-coding transcript variant (1).
Genome position (GRCh38, 1-based): chr19:11,021,921, C>A. VCF-style: chr19-11021921-C-A. GRCh37 (hg19) VCF-style: chr19-11132597-C-A.
Other names: c.2813C>A, p.Thr938Asn (NM_001128844.3, NM_001128845.2, NM_001128846.2 and 6 more transcripts); short protein forms T938N.
Identifiers: ClinVar variation 3798895 (VCV003798895.1).

ClinVar aggregate classification (germline): Uncertain significance (1 of 4 stars; one submission).

Conditions:
Hereditary cancer-predisposing syndrome. Also called: Neoplastic Syndromes, Hereditary; Hereditary Cancer Syndrome; Tumor predisposition; Hereditary neoplastic syndrome. Identifiers: Orphanet 140162, MedGen C0027672, MeSH D009386, MONDO:0015356.

Submission:

Ambry Genetics
Classification: Uncertain significance for Hereditary cancer-predisposing syndrome. Last evaluated: 2025-01-06. Review status: criteria provided, single submitter. Criteria: Ambry Variant Classification Scheme 2023. Collection method: clinical testing. Allele origin: germline.
Comment: The p.T938N variant (also known as c.2813C>A), located in coding exon 18 of the SMARCA4 gene, results from a C to A substitution at nucleotide position 2813. The threonine at codon 938 is replaced by asparagine, an amino acid with similar properties. This amino acid position is conserved. In addition, the in silico prediction for this alteration is inconclusive. Based on the available evidence, the clinical significance of this variant remains unclear.